The following is an entry in ClinVar:

ClinVar aggregate classification (germline): Uncertain significance (1 of 4 stars; one submission).

Conditions:
Inborn genetic diseases. Identifiers: MedGen C0950123, MeSH D030342.

Submission:

Ambry Genetics
Classification: Uncertain significance for Inborn genetic diseases. Last evaluated: 2025-01-22. Review status: criteria provided, single submitter. Criteria: Ambry Variant Classification Scheme 2023. Collection method: clinical testing. Allele origin: germline.
Comment: The p.Q66P variant (also known as c.197A>C), located in coding exon 1 of the SH2B3 gene, results from an A to C substitution at nucleotide position 197. The glutamine at codon 66 is replaced by proline, an amino acid with similar properties. This amino acid position is conserved. In addition, this alteration is predicted to be tolerated by in silico analysis. Based on the available evidence, the clinical significance of this variant remains unclear.

NM_005475.3(SH2B3):c.197A>C (p.Gln66Pro)

Gene: SH2B3 (SH2B adaptor protein 3; plus strand). Cytogenetic location: 12q24.12.
Variant type: single nucleotide variant.
Coding change: c.197A>C on transcript NM_005475.3 (MANE Select); coding-DNA position 197, A replaced by C.
Protein change: p.Gln66Pro; replaces glutamine 66 with proline.
Molecular consequence: missense variant.
Genome position (GRCh38, 1-based): chr12:111,418,342, A>C. VCF-style: chr12-111418342-A-C. GRCh37 (hg19) VCF-style: chr12-111856146-A-C.
Other names: short protein forms Q66P.
Identifiers: ClinVar variation 3795128 (VCV003795128.1).
Genomic context (GRCh38, chr12:111,418,342, plus strand): 5'-GGCTGTTCGCCCGGGAGCATCCGCAGCACGCGCCGCTGCGCGCCGAGCTGGTGTCGCTGC[A>C]GTTCACCGACCTCTTCCAGCGCTACTTCTGCCGCGAGGTGCGCGACGGACGGGCGCCGGG-3'
Protein context (NP_005466.1, residues 56-76): APLRAELVSL[Gln66Pro]FTDLFQRYFC